The following is an entry in ClinVar:

NM_002541.4(OGDH):c.1844C>T (p.Thr615Ile)

Gene: OGDH (oxoglutarate dehydrogenase; plus strand). Cytogenetic location: 7p13.
Variant type: single nucleotide variant.
Coding change: c.1844C>T on transcript NM_002541.4 (MANE Select); coding-DNA position 1844, C replaced by T.
Protein change: p.Thr615Ile; replaces threonine 615 with isoleucine.
Molecular consequence: missense variant.
Genome position (GRCh38, 1-based): chr7:44,696,501, C>T. VCF-style: chr7-44696501-C-T. GRCh37 (hg19) VCF-style: chr7-44736100-C-T.
Other names: p.Thr615Ile; c.1832C>T, p.Thr611Ile (NM_001165036.2); c.1877C>T, p.Thr626Ile (NM_001363523.2); short protein forms T615I, T626I, T611I.
Identifiers: ClinVar variation 471072 (VCV000471072.2), dbSNP rs773035937, ClinGen allele CA4243946.

ClinVar aggregate classification (germline): Uncertain significance. Review status: criteria provided, multiple submitters, no conflicts (2 of 4 stars). 2 submissions from 2 submitters: Uncertain significance (2). Last evaluated 2023-10-12.

Conditions:
Oxoglutaricaciduria. Identifiers: Orphanet 31, MedGen C2752074, MONDO:0008759, OMIM 203740.

Allele frequency attached by ClinVar (database versions not stated): gnomAD 0.00002 and 0.00001; TOPMed 0.00005; ExAC 0.00008; gnomAD exomes 0.00009.
gnomAD v4.1: 76 of 1,614,106 alleles (0.0047%); highest among the groups gnomAD compares: East Asian, 0.16%; no homozygotes.

Submissions (2):

Mayo Clinic Laboratories, Mayo Clinic
Classification: Uncertain significance. Last evaluated: 2023-10-12. Review status: criteria provided, single submitter. Criteria: ACMG Guidelines, 2015. Collection method: clinical testing. Allele origin: germline. Observed: 1 variant allele.
Comment: BP4

Labcorp Genetics (formerly Invitae), Labcorp
Classification: Uncertain significance for Oxoglutaricaciduria. Last evaluated: 2017-08-01. Review status: criteria provided, single submitter. Criteria: Invitae Variant Classification Sherloc (09022015). Collection method: clinical testing. Allele origin: germline.
Comment: This sequence change replaces threonine with isoleucine at codon 615 of the OGDH protein (p.Thr615Ile). The threonine residue is moderately conserved and there is a moderate physicochemical difference between threonine and isoleucine. This variant is present in population databases (rs773035937, ExAC 0.1%). This variant has not been reported in the literature in individuals with OGDH-related disease. Algorithms developed to predict the effect of missense changes on protein structure and function (SIFT, PolyPhen-2, Align-GVGD) all suggest that this variant is likely to be tolerated, but these predictions have not been confirmed by published functional studies and their clinical significance is uncertain. In summary, the available evidence is currently insufficient to determine the role of this variant in disease. Therefore, it has been classified as a Variant of Uncertain Significance.